The following is an entry in ClinVar:

NM_032638.5(GATA2):c.1355T>C (p.Ile452Thr)

Gene: GATA2 (GATA binding protein 2; minus strand). Cytogenetic location: 3q21.3.
Variant type: single nucleotide variant.
Coding change: c.1355T>C on transcript NM_032638.5 (MANE Select); coding-DNA position 1355, T replaced by C.
Protein change: p.Ile452Thr; replaces isoleucine 452 with threonine.
Molecular consequence: missense variant.
Genome position (GRCh38, 1-based): chr3:128,481,107, A>G on the plus strand (T>C on the coding strand, the complement: GATA2 is on the minus strand). VCF-style: chr3-128481107-A-G. GRCh37 (hg19) VCF-style: chr3-128199950-A-G.
Other names: c.1355T>C, p.Ile452Thr (NM_001145661.2); c.1313T>C, p.Ile438Thr (NM_001145662.1); short protein forms I438T, I452T.
Identifiers: ClinVar variation 1510105 (VCV001510105.8), dbSNP rs2107667768, ClinGen allele CA354412651.

ClinVar aggregate classification (germline): Uncertain significance (1 of 4 stars; one submission).

Conditions:
Deafness-lymphedema-leukemia syndrome. Also called: Emberger syndrome; Lymphedema, primary, with myelodysplasia. Identifiers: Orphanet 3226, MedGen C3279664, MONDO:0013540, OMIM 614038.
Monocytopenia with susceptibility to infections. Also called: MONOCYTOPENIA AND MYCOBACTERIAL INFECTION SYNDROME; MONOCYTOPENIA WITH SUSCEPTIBILITY TO MYCOBACTERIAL, FUNGAL, AND PAPILLOMAVIRUS INFECTIONS AND MYELODYSPLASIA; COMBINED IMMUNODEFICIENCY WITH SUSCEPTIBILITY TO MYCOBACTERIAL, VIRAL, AND FUNGAL INFECTIONS; Dendritic cell, monocyte, B lymphocyte, and natural killer lymphocyte deficiency; IMMUNODEFICIENCY 21; GATA2 DEFICIENCY. Identifiers: Orphanet 228423, MedGen C3280030, MONDO:0013607, OMIM 614172.

Allele frequency attached by ClinVar (database versions not stated): gnomAD exomes below 0.00001.

Submission:

Labcorp Genetics (formerly Invitae), Labcorp
Classification: Uncertain significance for Monocytopenia with susceptibility to infections; Deafness-lymphedema-leukemia syndrome. Last evaluated: 2021-04-23. Review status: criteria provided, single submitter. Criteria: Invitae Variant Classification Sherloc (09022015). Collection method: clinical testing. Allele origin: germline.
Comment: This variant is not present in population databases (ExAC no frequency). In summary, the available evidence is currently insufficient to determine the role of this variant in disease. Therefore, it has been classified as a Variant of Uncertain Significance. Algorithms developed to predict the effect of missense changes on protein structure and function are either unavailable or do not agree on the potential impact of this missense change (SIFT: "Tolerated"; PolyPhen-2: "Probably Damaging"; Align-GVGD: "Class C0"). This variant has not been reported in the literature in individuals with GATA2-related conditions. This sequence change replaces isoleucine with threonine at codon 452 of the GATA2 protein (p.Ile452Thr). The isoleucine residue is moderately conserved and there is a moderate physicochemical difference between isoleucine and threonine.